The following is an entry in ClinVar:

NM_000245.4(MET):c.345C>T (p.Asn115=)

Gene: MET (MET proto-oncogene, receptor tyrosine kinase; plus strand). Cytogenetic location: 7q31.2.
Variant type: single nucleotide variant.
Coding change: c.345C>T on transcript NM_000245.4 (MANE Select); coding-DNA position 345, C replaced by T.
Protein change: p.Asn115=; no amino-acid change (asparagine 115 retained).
Molecular consequence: synonymous variant. On other transcripts: intron variant (1).
Genome position (GRCh38, 1-based): chr7:116,699,429, C>T. VCF-style: chr7-116699429-C-T. GRCh37 (hg19) VCF-style: chr7-116339483-C-T.
Other names: c.345C>T (NM_001127500.2); c.345C>T, p.Asn115= (NM_001127500.3, NM_001324401.3); c.-91+26852C>T (NM_001324402.2).
Identifiers: ClinVar variation 246638 (VCV000246638.46), dbSNP rs774038166, ClinGen allele CA4447979.
Genomic context (GRCh38, chr7:116,699,429, plus strand): 5'-TTTCCCATGTCAGGACTGCAGCAGCAAAGCCAATTTATCAGGAGGTGTTTGGAAAGATAA[C>T]ATCAACATGGCTCTAGTTGTCGACACCTACTATGATGATCAACTCATTAGCTGTGGCAGC-3'
Protein context (NP_000236.2, residues 105-125): ANLSGGVWKD[Asn115=]INMALVVDTY

ClinVar aggregate classification (germline): Benign/Likely benign. Review status: criteria provided, multiple submitters, no conflicts (2 of 4 stars). 9 submissions from 9 submitters: Benign (2); Likely benign (7). Last evaluated 2026-07-29.

Conditions:
Renal cell carcinoma. Identifiers: Orphanet 217071, MedGen C0007134, MeSH D002292, MONDO:0005086, HP:0005584.
Hereditary cancer-predisposing syndrome. Also called: Tumor predisposition; Hereditary Cancer Syndrome; Neoplastic Syndromes, Hereditary; Hereditary neoplastic syndrome. Identifiers: Orphanet 140162, MedGen C0027672, MeSH D009386, MONDO:0015356.
MET-related disorder. Also called: MET-related condition.
Papillary renal cell carcinoma type 1 (RCCP1). Also called: RENAL CELL CARCINOMA, PAPILLARY, 1, SOMATIC; Renal adenocarcinoma; Renal cell carcinoma 1; Renal cell carcinoma, somatic. Identifiers: Orphanet 47044, MedGen C1336839, OMIM 605074, HP:0011797.

Allele frequency attached by ClinVar (database versions not stated): gnomAD exomes 0.00001; ExAC 0.00002; gnomAD 0.00002 and 0.00007; TOPMed 0.00008.
gnomAD v4.1: 32 of 1,613,924 alleles (0.002%); highest among the groups gnomAD compares: Non-Finnish European, 0.002%; no homozygotes.

Submissions (9):

PreventionGenetics, part of Exact Sciences
Classification: Likely benign for MET-related condition. Last evaluated: 2026-07-29. Review status: criteria provided, single submitter. Criteria: ACMG Guidelines, 2015. Collection method: clinical testing. Allele origin: germline.
Comment: This variant is classified as likely benign based on ACMG/AMP sequence variant interpretation guidelines (Richards et al. 2015 PMID: 25741868, with internal and published modifications).

Labcorp Genetics (formerly Invitae), Labcorp
Classification: Likely benign for Renal cell carcinoma. Last evaluated: 2025-12-28. Review status: criteria provided, single submitter. Criteria: Invitae Variant Classification Sherloc (09022015). Collection method: clinical testing. Allele origin: germline.

KCCC/NGS Laboratory, Kuwait Cancer Control Center
Classification: Benign for Papillary renal cell carcinoma type 1. Last evaluated: 2025-02-01. Review status: criteria provided, single submitter. Criteria: ACMG Guidelines, 2015. Collection method: clinical testing. Allele origin: germline. Affected: no.

Myriad Genetics, Inc.
Classification: Benign for Papillary renal cell carcinoma type 1. Last evaluated: 2024-11-06. Review status: criteria provided, single submitter. Criteria: Myriad Autosomal Dominant, Autosomal Recessive and X-Linked Classification Criteria (2023). Collection method: clinical testing. Allele origin: unknown.
Comment: This variant is considered benign. This variant is a silent/synonymous amino acid change and it is not expected to impact splicing.

Blueprint Genetics
Classification: Likely benign. Last evaluated: 2022-07-19. Review status: criteria provided, single submitter. Criteria: ACMG Guidelines, 2015. Collection method: clinical testing. Allele origin: germline.

CeGaT Center for Human Genetics Tuebingen
Classification: Likely benign. Last evaluated: 2022-05-01. Review status: criteria provided, single submitter. Criteria: CeGaT Center For Human Genetics Tuebingen Variant Classification Criteria Version 2. Collection method: clinical testing. Allele origin: germline. Affected: yes. Observed: 1 variant allele.
Comment: MET: BP4, BP7

Sema4
Classification: Likely benign for Hereditary cancer-predisposing syndrome. Last evaluated: 2021-03-03. Review status: criteria provided, single submitter. Criteria: Sema4 Curation Guidelines. Collection method: curation. Allele origin: germline.

GeneDx
Classification: Likely benign. Last evaluated: 2018-05-25. Review status: criteria provided, single submitter. Criteria: GeneDx Variant Classification (06012015). Collection method: clinical testing. Allele origin: germline. Affected: yes.
Comment: This variant is considered likely benign or benign based on one or more of the following criteria: it is a conservative change, it occurs at a poorly conserved position in the protein, it is predicted to be benign by multiple in silico algorithms, and/or has population frequency not consistent with disease.

Ambry Genetics
Classification: Likely benign for Hereditary cancer-predisposing syndrome. Last evaluated: 2017-07-19. Review status: criteria provided, single submitter. Criteria: Ambry Variant Classification Scheme 2023. Collection method: clinical testing. Allele origin: germline.